The following is an entry in ClinVar:

NM_001371928.1(AHDC1):c.4291G>A (p.Gly1431Arg)

Gene: AHDC1 (AT-hook DNA binding motif containing 1; minus strand). Cytogenetic location: 1p36.11.
Variant type: single nucleotide variant.
Coding change: c.4291G>A on transcript NM_001371928.1 (MANE Select); coding-DNA position 4291, G replaced by A.
Protein change: p.Gly1431Arg; replaces glycine 1431 with arginine.
Molecular consequence: missense variant.
Genome position (GRCh38, 1-based): chr1:27,547,825, C>T on the plus strand (G>A on the coding strand, the complement: AHDC1 is on the minus strand). VCF-style: chr1-27547825-C-T. GRCh37 (hg19) VCF-style: chr1-27874336-C-T.
Other names: c.4291G>A, p.Gly1431Arg (NM_001029882.3); short protein forms G1431R.
Identifiers: ClinVar variation 450314 (VCV000450314.2), dbSNP rs1553158013, ClinGen allele CA339222962.

ClinVar aggregate classification (germline): Uncertain significance (1 of 4 stars; one submission).

Submission:

GeneDx
Classification: Uncertain significance. Last evaluated: 2017-07-01. Review status: criteria provided, single submitter. Criteria: GeneDx Variant Classification (06012015). Collection method: clinical testing. Allele origin: germline. Affected: yes.
Comment: A variant of uncertain significance has been identified in the AHDC1 gene. The G1431R variant has not been published as a pathogenic variant, nor has it been reported as a benign variant to our knowledge. The G1431R variant is not observed in large population cohorts (Lek et al., 2016; 1000 Genomes Consortium et al., 2015; Exome Variant Server). The G1431R variant is a non-conservative amino acid substitution, which is likely to impact secondary protein structure as these residues differ in polarity, charge, size and/or other properties. This substitution occurs at a position that is conserved in mammals. In silico analysis is inconsistent in its predictions as to whether or not the variant is damaging to the protein structure/function. Therefore, based on the currently available information, it is unclear whether this variant is a pathogenic variant or a rare benign variant.